The following is an entry in ClinVar:

ClinVar aggregate classification (germline): Uncertain significance (1 of 4 stars; one submission).

gnomAD v4.1: 2 of 1,614,108 alleles (0.00012%); highest among the groups gnomAD compares: South Asian, 0.0011%; no homozygotes.

Submission:

GeneDx
Classification: Uncertain significance. Last evaluated: 2024-03-19. Review status: criteria provided, single submitter. Criteria: GeneDx Variant Classification Process June 2021. Collection method: clinical testing. Allele origin: germline. Affected: yes.
Comment: Has not been previously published as pathogenic or benign to our knowledge; Not observed at significant frequency in large population cohorts (gnomAD); In silico analysis supports that this missense variant has a deleterious effect on protein structure/function

NM_033409.4(SLC52A3):c.1151G>A (p.Ser384Asn)

Gene: SLC52A3 (solute carrier family 52 member 3; minus strand). Cytogenetic location: 20p13.
Variant type: single nucleotide variant.
Coding change: c.1151G>A on transcript NM_033409.4 (MANE Select); coding-DNA position 1151, G replaced by A.
Protein change: p.Ser384Asn; replaces serine 384 with asparagine.
Molecular consequence: missense variant.
Genome position (GRCh38, 1-based): chr20:761,747, C>T on the plus strand (G>A on the coding strand, the complement: SLC52A3 is on the minus strand). VCF-style: chr20-761747-C-T. GRCh37 (hg19) VCF-style: chr20-742391-C-T.
Other names: c.1151G>A, p.Ser384Asn (NM_001370085.1, NM_001370086.1); short protein forms S384N.
Identifiers: ClinVar variation 3368727 (VCV003368727.1).
Genomic context (GRCh38, chr20:761,747, plus strand): 5'-GGCCGGATACTCACAATGAGGACTTCCCCACCCCAGTGGCCCTGCAAGAGGGGGCAGGGG[C>T]TCATCACCGCCATGGCCATGTTGTAGCCCCCAAAGCAGGTCCCAAGCACGGAGAGGACCC-3'
Protein context (NP_212134.3, residues 374-394): GGYNMAMAVM[Ser384Asn]PCPLLQGHWG